The following is an entry in ClinVar:

NM_138694.4(PKHD1):c.3981_3987dup (p.Leu1330fs)

Gene: PKHD1 (PKHD1 ciliary IPT domain containing fibrocystin/polyductin; minus strand). Cytogenetic location: 6p12.2.
Variant type: Duplication.
Coding change: c.3981_3987dup on transcript NM_138694.4 (MANE Select); coding-DNA positions 3981 to 3987, 7 bases duplicated (AGTCATC; older notation c.3981_3987dupAGTCATC).
Protein change: p.Leu1330fs; shifts the reading frame from leucine 1330.
Molecular consequence: frameshift variant.
Genome position (GRCh38, 1-based): chr6:52,025,823-52,025,829, GATGACT duplicated on the plus strand (AGTCATC on the coding strand, the reverse complement: PKHD1 is on the minus strand); duplicating any 7 consecutive bases within chr6:52,025,823-52,025,831 gives the same sequence; the c. name uses the placement nearest the transcript's 3' end. VCF-style (leftmost placement, unchanged base first): chr6-52025822-G-GGATGACT. GRCh37 (hg19) VCF-style: chr6-51890620-G-GGATGACT.
Other names: c.3981_3987dup, p.Leu1330fs (NM_170724.3); short protein forms L1330fs.
Identifiers: ClinVar variation 5012749 (VCV005012749.1).

ClinVar aggregate classification (germline): Pathogenic (1 of 4 stars; one submission).

Conditions:
Polycystic kidney disease 4 (PKD4). Also called: POLYCYSTIC KIDNEY AND HEPATIC DISEASE 1; POLYCYSTIC KIDNEY DISEASE, INFANTILE, TYPE I; POLYCYSTIC KIDNEY DISEASE 4 WITH OR WITHOUT POLYCYSTIC LIVER DISEASE; PKD3; Autosomal Recessive Polycystic Kidney Disease – PKHD1. Identifiers: MedGen C4540575, MONDO:0033004, OMIM 263200.

Submission:

Myriad Genetics, Inc.
Classification: Pathogenic for Polycystic kidney disease 4. Last evaluated: 2024-02-17. Review status: criteria provided, single submitter. Criteria: Myriad Autosomal Dominant, Autosomal Recessive and X-Linked Classification Criteria (2023). Collection method: clinical testing. Allele origin: unknown.
Comment: NM_138694.3(PKHD1):c.3981_3987dup7(L1330Sfs*10) is expected to be pathogenic in the context of autosomal recessive polycystic kidney disease, PKHD1-related. This variant is predicted to lead to an abnormal or absent protein product due to the creation of a premature termination codon in PKHD1, a gene where loss-of-function variants are known to be pathogenic. Please note: this variant was assessed in the context of healthy population screening.